The following is an entry in ClinVar:

ClinVar aggregate classification (germline): Uncertain significance. Review status: criteria provided, multiple submitters, no conflicts (2 of 4 stars). 4 submissions from 4 submitters: Uncertain significance (4). Last evaluated 2024-03-29.

Conditions:
Ataxia-telangiectasia-like disorder (ATLD). Identifiers: MedGen C1858391, MONDO:0011457.
Hereditary cancer-predisposing syndrome. Also called: Neoplastic Syndromes, Hereditary; Tumor predisposition; Hereditary Cancer Syndrome; Hereditary neoplastic syndrome. Identifiers: Orphanet 140162, MedGen C0027672, MeSH D009386, MONDO:0015356.
Ataxia-telangiectasia-like disorder 1 (ATLD1). Identifiers: Orphanet 251347, MedGen C4012790, MONDO:0024557, OMIM 604391.

Allele frequency attached by ClinVar (database versions not stated): gnomAD 0.00002 and 0.00003; gnomAD exomes 0.00002 and 0.00004; ExAC 0.00003.
gnomAD v4.1: 42 of 1,613,676 alleles (0.0026%); highest among the groups gnomAD compares: South Asian, 0.038%; 1 homozygote.

Submissions (4):

Quest Diagnostics Nichols Institute San Juan Capistrano
Classification: Uncertain significance. Last evaluated: 2024-03-29. Review status: criteria provided, single submitter. Criteria: Quest Diagnostics criteria. Collection method: clinical testing. Allele origin: unknown.

Ambry Genetics
Classification: Uncertain significance for Hereditary cancer-predisposing syndrome. Last evaluated: 2024-02-23. Review status: criteria provided, single submitter. Criteria: Ambry Variant Classification Scheme 2023. Collection method: clinical testing. Allele origin: germline.
Comment: The p.A585T variant (also known as c.1753G>A), located in coding exon 14 of the MRE11A gene, results from a G to A substitution at nucleotide position 1753. The alanine at codon 585 is replaced by threonine, an amino acid with similar properties. This amino acid position is poorly conserved in available vertebrate species. In addition, this alteration is predicted to be tolerated by in silico analysis. Since supporting evidence is limited at this time, the clinical significance of this alteration remains unclear.

Baylor Genetics
Classification: Uncertain significance for Ataxia-telangiectasia-like disorder 1. Last evaluated: 2023-08-07. Review status: criteria provided, single submitter. Criteria: ACMG Guidelines, 2015. Collection method: clinical testing. Allele origin: unknown.

Labcorp Genetics (formerly Invitae), Labcorp
Classification: Uncertain significance for Ataxia-telangiectasia-like disorder. Last evaluated: 2021-12-15. Review status: criteria provided, single submitter. Criteria: Invitae Variant Classification Sherloc (09022015). Collection method: clinical testing. Allele origin: germline.
Comment: This sequence change replaces alanine, which is neutral and non-polar, with threonine, which is neutral and polar, at codon 585 of the MRE11 protein (p.Ala585Thr). This variant is present in population databases (rs754790440, gnomAD 0.02%). This variant has not been reported in the literature in individuals affected with MRE11-related conditions. ClinVar contains an entry for this variant (Variation ID: 481760). Algorithms developed to predict the effect of missense changes on protein structure and function output the following: SIFT: "Tolerated"; PolyPhen-2: "Benign"; Align-GVGD: "Class C0". The threonine amino acid residue is found in multiple mammalian species, which suggests that this missense change does not adversely affect protein function. In summary, the available evidence is currently insufficient to determine the role of this variant in disease. Therefore, it has been classified as a Variant of Uncertain Significance.

NM_005591.4(MRE11):c.1753G>A (p.Ala585Thr)

Gene: MRE11 (MRE11 double strand break repair nuclease; minus strand). Cytogenetic location: 11q21.
Variant type: single nucleotide variant.
Coding change: c.1753G>A on transcript NM_005591.4 (MANE Select); coding-DNA position 1753, G replaced by A.
Protein change: p.Ala585Thr; replaces alanine 585 with threonine.
Molecular consequence: missense variant.
Genome position (GRCh38, 1-based): chr11:94,447,249, C>T on the plus strand (G>A on the coding strand, the complement: MRE11 is on the minus strand). VCF-style: chr11-94447249-C-T. GRCh37 (hg19) VCF-style: chr11-94180415-C-T.
Other names: c.1753G>A, p.Ala585Thr (NM_001330347.2, NM_005590.4); short protein forms A585T.
Identifiers: ClinVar variation 481760 (VCV000481760.13), dbSNP rs754790440, ClinGen allele CA6235006.
Genomic context (GRCh38, chr11:94,447,249, plus strand): 5'-AATGTGCACAGGACTGAACTCAGTGCTCACCTCTTCCTCTTTGAGACCCTCCTCTCGATG[C>T]TGAATTCTGCCCTCTTCCACCTCTTCGACCTCTTCCTCGGCCTCTTCCTTTGTTGGTTGC-3'
Protein context (NP_005582.1, residues 575-595): GRRGGRGQNS[Ala585Thr]SRGGSQRGRA